The following is an entry in ClinVar:

NM_001267550.2(TTN):c.103236C>T (p.Ile34412=)

Genes: TTN (titin; minus strand), TTN-AS1 (TTN antisense RNA 1; plus strand). Cytogenetic location: 2q31.2.
Variant type: single nucleotide variant.
Coding change: c.103236C>T on transcript NM_001267550.2 (MANE Select); coding-DNA position 103236, C replaced by T.
Protein change: p.Ile34412=; no amino-acid change (isoleucine 34412 retained).
Molecular consequence: synonymous variant.
Genome position (GRCh38, 1-based): chr2:178,533,379, G>A on the plus strand (C>T on the coding strand, the complement: TTN is on the minus strand). VCF-style: chr2-178533379-G-A. GRCh37 (hg19) VCF-style: chr2-179398106-G-A.
Other names: c.98313C>T, p.Ile32771= (NM_001256850.1); c.76041C>T, p.Ile25347= (NM_003319.4); c.95532C>T, p.Ile31844= (NM_133378.4); c.76416C>T, p.Ile25472= (NM_133432.3); c.76617C>T, p.Ile25539= (NM_133437.4).
Identifiers: ClinVar variation 385973 (VCV000385973.15), dbSNP rs745465328, ClinGen allele CA1985638.

ClinVar aggregate classification (germline): Likely benign. Review status: criteria provided, multiple submitters, no conflicts (2 of 4 stars). 4 submissions from 4 submitters: Likely benign (4). Last evaluated 2025-10-29.

Conditions:
Cardiovascular phenotype. Identifiers: MedGen CN230736.
Dilated cardiomyopathy 1G (CMD1G). Identifiers: Orphanet 154, MedGen C1858763, MONDO:0011400, OMIM 604145.
Autosomal recessive limb-girdle muscular dystrophy type 2J (LGMDR10). Also called: Limb-girdle muscular dystrophy, type 2J; MUSCULAR DYSTROPHY, LIMB-GIRDLE, AUTOSOMAL RECESSIVE 10. Identifiers: Orphanet 140922, MedGen C1837342, MONDO:0012127, OMIM 608807.

Allele frequency attached by ClinVar (database versions not stated): gnomAD exomes below 0.00001 and 0.00002; gnomAD 0.00001; TOPMed 0.00001; ExAC 0.00002.
gnomAD v4.1: 9 of 1,613,444 alleles (0.00056%); highest among the groups gnomAD compares: African/African-American, 0.0093%; no homozygotes.

Submissions (4):

Labcorp Genetics (formerly Invitae), Labcorp
Classification: Likely benign for Dilated cardiomyopathy 1G; Autosomal recessive limb-girdle muscular dystrophy type 2J. Last evaluated: 2025-10-29. Review status: criteria provided, single submitter. Criteria: Invitae Variant Classification Sherloc (09022015). Collection method: clinical testing. Allele origin: germline.

Women's Health and Genetics/Laboratory Corporation of America, LabCorp
Classification: Likely benign. Last evaluated: 2025-10-13. Review status: criteria provided, single submitter. Criteria: LabCorp Variant Classification Summary - May 2015. Collection method: clinical testing. Allele origin: germline.

Ambry Genetics
Classification: Likely benign for Cardiovascular phenotype. Last evaluated: 2021-05-05. Review status: criteria provided, single submitter. Criteria: Ambry Variant Classification Scheme 2023. Collection method: clinical testing. Allele origin: germline.

GeneDx
Classification: Likely benign. Last evaluated: 2016-05-24. Review status: criteria provided, single submitter. Criteria: GeneDx Variant Classification (06012015). Collection method: clinical testing. Allele origin: germline. Affected: yes.
Comment: This variant is considered likely benign or benign based on one or more of the following criteria: it is a conservative change, it occurs at a poorly conserved position in the protein, it is predicted to be benign by multiple in silico algorithms, and/or has population frequency not consistent with disease.